The following is an entry in ClinVar:

NM_000271.5(NPC1):c.1499G>A (p.Gly500Glu)

Gene: NPC1 (NPC intracellular cholesterol transporter 1; minus strand). Cytogenetic location: 18q11.2.
Variant type: single nucleotide variant.
Coding change: c.1499G>A on transcript NM_000271.5 (MANE Select); coding-DNA position 1499, G replaced by A.
Protein change: p.Gly500Glu; replaces glycine 500 with glutamic acid.
Molecular consequence: missense variant.
Genome position (GRCh38, 1-based): chr18:23,554,812, C>T on the plus strand (G>A on the coding strand, the complement: NPC1 is on the minus strand). VCF-style: chr18-23554812-C-T. GRCh37 (hg19) VCF-style: chr18-21134776-C-T.
Other names: short protein forms G500E.
Identifiers: ClinVar variation 1417547 (VCV001417547.5), dbSNP rs748246747, ClinGen allele CA8913457.

ClinVar aggregate classification (germline): Uncertain significance (1 of 4 stars; one submission).

Conditions:
Niemann-Pick disease, type C1. Also called: NIEMANN-PICK DISEASE, VARIANT TYPE C1; NEUROVISCERAL STORAGE DISEASE WITH VERTICAL SUPRANUCLEAR OPHTHALMOPLEGIA; NIEMANN-PICK DISEASE WITH CHOLESTEROL ESTERIFICATION BLOCK; NIEMANN-PICK DISEASE WITHOUT SPHINGOMYELINASE DEFICIENCY; NIEMANN-PICK DISEASE, CHRONIC NEURONOPATHIC FORM. Identifiers: Orphanet 646, MedGen C3179455, MONDO:0009757, OMIM 257220.

Allele frequency attached by ClinVar (database versions not stated): gnomAD exomes below 0.00001; ExAC 0.00001; gnomAD 0.00001.
gnomAD v4.1: 1 of 1,614,012 alleles (0.000062%); highest among the groups gnomAD compares: Non-Finnish European, 0.000085%; no homozygotes.

Submission:

Labcorp Genetics (formerly Invitae), Labcorp
Classification: Uncertain significance for Niemann-Pick disease, type C1. Last evaluated: 2021-09-24. Review status: criteria provided, single submitter. Criteria: Invitae Variant Classification Sherloc (09022015). Collection method: clinical testing. Allele origin: germline.
Comment: This sequence change replaces glycine with glutamic acid at codon 500 of the NPC1 protein (p.Gly500Glu). The glycine residue is moderately conserved and there is a moderate physicochemical difference between glycine and glutamic acid. This variant is present in population databases (rs748246747, ExAC 0.001%). This variant has not been reported in the literature in individuals with NPC1-related conditions. Advanced modeling of protein sequence and biophysical properties (such as structural, functional, and spatial information, amino acid conservation, physicochemical variation, residue mobility, and thermodynamic stability) performed at Invitae indicates that this missense variant is not expected to disrupt NPC1 protein function. In summary, the available evidence is currently insufficient to determine the role of this variant in disease. Therefore, it has been classified as a Variant of Uncertain Significance.